The following is an entry in ClinVar:

NM_024675.4(PALB2):c.276T>C (p.Thr92=)

Gene: PALB2 (partner and localizer of BRCA2; minus strand). Cytogenetic location: 16p12.2.
Variant type: single nucleotide variant.
Coding change: c.276T>C on transcript NM_024675.4 (MANE Select); coding-DNA position 276, T replaced by C.
Protein change: p.Thr92=; no amino-acid change (threonine 92 retained).
Molecular consequence: synonymous variant.
Genome position (GRCh38, 1-based): chr16:23,636,270, A>G on the plus strand (T>C on the coding strand, the complement: PALB2 is on the minus strand). VCF-style: chr16-23636270-A-G. GRCh37 (hg19) VCF-style: chr16-23647591-A-G.
Identifiers: ClinVar variation 1083579 (VCV001083579.13), dbSNP rs1555461850, ClinGen allele CA494165752.

ClinVar aggregate classification (germline): Benign/Likely benign. Review status: criteria provided, multiple submitters, no conflicts (2 of 4 stars). 3 submissions from 3 submitters: Benign (1); Likely benign (2). Last evaluated 2025-01-10.

Conditions:
Hereditary cancer-predisposing syndrome. Also called: Hereditary Cancer Syndrome; Neoplastic Syndromes, Hereditary; Tumor predisposition; Hereditary neoplastic syndrome. Identifiers: Orphanet 140162, MedGen C0027672, MeSH D009386, MONDO:0015356.
Familial cancer of breast. Also called: hereditary breast carcinoma; BREAST CANCER, FAMILIAL; Hereditary breast cancer. Identifiers: Orphanet 227535, MedGen C0346153, MONDO:0016419, OMIM 114480. Disease mechanism: loss of function.

Submissions (3):

Myriad Genetics, Inc.
Classification: Benign for Familial cancer of breast. Last evaluated: 2025-01-10. Review status: criteria provided, single submitter. Criteria: Myriad Autosomal Dominant, Autosomal Recessive and X-Linked Classification Criteria (2023). Collection method: clinical testing. Allele origin: unknown.
Comment: This variant is considered benign. This variant is a silent/synonymous amino acid change and it is not expected to impact splicing.

Labcorp Genetics (formerly Invitae), Labcorp
Classification: Likely benign for Familial cancer of breast. Last evaluated: 2023-07-19. Review status: criteria provided, single submitter. Criteria: Invitae Variant Classification Sherloc (09022015). Collection method: clinical testing. Allele origin: germline.

Ambry Genetics
Classification: Likely benign for Hereditary cancer-predisposing syndrome. Last evaluated: 2021-09-08. Review status: criteria provided, single submitter. Criteria: Ambry Variant Classification Scheme 2023. Collection method: clinical testing. Allele origin: germline.